The following is an entry in ClinVar:

NM_001429.4(EP300):c.6788G>A (p.Arg2263Gln)

Gene: EP300 (EP300 lysine acetyltransferase; plus strand). Cytogenetic location: 22q13.2.
Variant type: single nucleotide variant.
Coding change: c.6788G>A on transcript NM_001429.4 (MANE Select); coding-DNA position 6788, G replaced by A.
Protein change: p.Arg2263Gln; replaces arginine 2263 with glutamine.
Molecular consequence: missense variant.
Genome position (GRCh38, 1-based): chr22:41,178,499, G>A. VCF-style: chr22-41178499-G-A. GRCh37 (hg19) VCF-style: chr22-41574503-G-A.
Other names: c.6710G>A, p.Arg2237Gln (NM_001362843.2); short protein forms R2237Q, R2263Q.
Identifiers: ClinVar variation 3031700 (VCV003031700.3), dbSNP rs773841539, ClinGen allele CA10253950.

ClinVar aggregate classification (germline): Likely benign. Review status: criteria provided, single submitter (1 of 4 stars). 2 submissions from 2 submitters: Likely benign (1). 1 of the submissions does not count toward it. Last evaluated 2025-08-23.

Conditions:
EP300-related disorder. Also called: EP300-related disorders; EP300-related condition.
Inborn genetic diseases. Identifiers: MedGen C0950123, MeSH D030342.

Allele frequency attached by ClinVar (database versions not stated): gnomAD exomes below 0.00001; gnomAD 0.00001; ExAC 0.00002.

Submissions (2):

Ambry Genetics
Classification: Likely benign for Inborn genetic diseases. Last evaluated: 2025-08-23. Review status: criteria provided, single submitter. Criteria: Ambry Variant Classification Scheme 2023. Collection method: clinical testing. Allele origin: germline.

PreventionGenetics, part of Exact Sciences
Classification: Uncertain significance for EP300-related condition. Last evaluated: 2024-04-02. Review status: no assertion criteria provided. Collection method: clinical testing. Allele origin: germline. Not counted in ClinVar's aggregate classification.
Comment: The EP300 c.6788G>A variant is predicted to result in the amino acid substitution p.Arg2263Gln. To our knowledge, this variant has not been reported in the literature. This variant is reported in 0.0098% of alleles in individuals of South Asian descent in gnomAD. At this time, the clinical significance of this variant is uncertain due to the absence of conclusive functional and genetic evidence.